The following is an entry in ClinVar:

ClinVar aggregate classification (germline): Uncertain significance. Review status: criteria provided, multiple submitters, no conflicts (2 of 4 stars). 2 submissions from 2 submitters: Uncertain significance (2). Last evaluated 2025-09-24.

Conditions:
Inborn genetic diseases. Identifiers: MedGen C0950123, MeSH D030342.
Epidermolysis bullosa simplex 5B, with muscular dystrophy (EBS5B). Also called: EPIDERMOLYSIS BULLOSA SIMPLEX AND LIMB-GIRDLE MUSCULAR DYSTROPHY; Epidermolysis bullosa simplex with muscular dystrophy. Identifiers: Orphanet 257, MedGen C2931072, MONDO:0009181, OMIM 226670.
Epidermolysis bullosa simplex, Ogna type (EBS5A). Also called: EPIDERMOLYSIS BULLOSA SIMPLEX 5A, OGNA TYPE; Pidermolysis bullosa simplex 5A, Ogna type. Identifiers: Orphanet 79401, MedGen C0432317, MONDO:0007555, OMIM 131950.
Epidermolysis bullosa simplex with nail dystrophy (EBS5D). Identifiers: MedGen C4225309, MONDO:0014661, OMIM 616487.
Autosomal recessive limb-girdle muscular dystrophy type 2Q (LGMDR17). Also called: MUSCULAR DYSTROPHY, LIMB-GIRDLE, AUTOSOMAL RECESSIVE 17. Identifiers: Orphanet 254361, MedGen C3150989, MONDO:0013390, OMIM 613723.
Epidermolysis bullosa simplex 5C, with pyloric atresia (EBS5C). Also called: Epidermolysis bullosa simplex with pyloric atresia; PLEC-Related Epidermolysis Bullosa with Pyloric Atresia; PLEC1-Related Epidermolysis Bullosa with Pyloric Atresia. Identifiers: Orphanet 158684, MedGen C2677349, MONDO:0012807, OMIM 612138.

Allele frequency attached by ClinVar (database versions not stated): ExAC 0.00002; gnomAD 0.00003; TOPMed 0.00003.
gnomAD v4.1: 7 of 1,609,960 alleles (0.00043%); highest among the groups gnomAD compares: African/African-American, 0.0093%; no homozygotes.

Submissions (2):

Labcorp Genetics (formerly Invitae), Labcorp
Classification: Uncertain significance for Autosomal recessive limb-girdle muscular dystrophy type 2Q; Epidermolysis bullosa simplex, Ogna type; Epidermolysis bullosa simplex with nail dystrophy; Epidermolysis bullosa simplex 5C, with pyloric atresia; Epidermolysis bullosa simplex 5B, with muscular dystrophy. Last evaluated: 2025-09-24. Review status: criteria provided, single submitter. Criteria: Invitae Variant Classification Sherloc (09022015). Collection method: clinical testing. Allele origin: germline.
Comment: This sequence change replaces proline, which is neutral and non-polar, with alanine, which is neutral and non-polar, at codon 4434 of the PLEC protein (p.Pro4434Ala). This variant is present in population databases (rs782818956, gnomAD 0.01%). This variant has not been reported in the literature in individuals affected with PLEC-related conditions. ClinVar contains an entry for this variant (Variation ID: 1411630). Invitae Evidence Modeling of protein sequence and biophysical properties (such as structural, functional, and spatial information, amino acid conservation, physicochemical variation, residue mobility, and thermodynamic stability) indicates that this missense variant is not expected to disrupt PLEC protein function with a negative predictive value of 80%. In summary, the available evidence is currently insufficient to determine the role of this variant in disease. Therefore, it has been classified as a Variant of Uncertain Significance.

Ambry Genetics
Classification: Uncertain significance for Inborn genetic diseases. Last evaluated: 2023-12-09. Review status: criteria provided, single submitter. Criteria: Ambry Variant Classification Scheme 2023. Collection method: clinical testing. Allele origin: germline.

NM_201384.3(PLEC):c.13219C>G (p.Pro4407Ala)

Gene: PLEC (plectin; minus strand). Cytogenetic location: 8q24.3.
Variant type: single nucleotide variant.
Coding change: c.13219C>G on transcript NM_201384.3 (MANE Select); coding-DNA position 13219, C replaced by G.
Protein change: p.Pro4407Ala; replaces proline 4407 with alanine.
Molecular consequence: missense variant.
Genome position (GRCh38, 1-based): chr8:143,916,602, G>C on the plus strand (C>G on the coding strand, the complement: PLEC is on the minus strand). VCF-style: chr8-143916602-G-C. GRCh37 (hg19) VCF-style: chr8-144990770-G-C.
Other names: c.13300C>G, p.Pro4434Ala (NM_000445.5); c.13177C>G, p.Pro4393Ala (NM_201378.4); c.13153C>G, p.Pro4385Ala (NM_201379.3); c.13630C>G, p.Pro4544Ala (NM_201380.4); c.13123C>G, p.Pro4375Ala (NM_201381.3); c.13219C>G, p.Pro4407Ala (NM_201382.4); c.13231C>G, p.Pro4411Ala (NM_201383.3); c.13300C>G (NM_000445.3); short protein forms P4375A, P4385A, P4544A, P4393A, P4407A, P4411A, P4434A.
Identifiers: ClinVar variation 1411630 (VCV001411630.10), dbSNP rs782818956, ClinGen allele CA4923877.